The following is an entry in ClinVar:

NM_012213.3(MLYCD):c.346C>T (p.Gln116Ter)

Gene: MLYCD (malonyl-CoA decarboxylase; plus strand). Cytogenetic location: 16q23.3.
Variant type: single nucleotide variant.
Coding change: c.346C>T on transcript NM_012213.3 (MANE Select); coding-DNA position 346, C replaced by T.
Protein change: p.Gln116Ter; replaces glutamine 116 with a stop codon.
Molecular consequence: nonsense.
Genome position (GRCh38, 1-based): chr16:83,899,490, C>T. VCF-style: chr16-83899490-C-T. GRCh37 (hg19) VCF-style: chr16-83933095-C-T.
Other names: short protein forms Q116*.
Identifiers: ClinVar variation 2955855 (VCV002955855.3), dbSNP rs1906697955, ClinGen allele CA396918149.

ClinVar aggregate classification (germline): Pathogenic (1 of 4 stars; one submission).

Conditions:
Deficiency of malonyl-CoA decarboxylase. Also called: Malonic aciduria; MCD deficiency. Identifiers: Orphanet 943, MedGen C0342793, MONDO:0009556, OMIM 248360.

Allele frequency attached by ClinVar (database versions not stated): TOPMed 0.00001.

Submission:

Labcorp Genetics (formerly Invitae), Labcorp
Classification: Pathogenic for Deficiency of malonyl-CoA decarboxylase. Last evaluated: 2023-03-10. Review status: criteria provided, single submitter. Criteria: Invitae Variant Classification Sherloc (09022015). Collection method: clinical testing. Allele origin: germline.
Comment: For these reasons, this variant has been classified as Pathogenic. This variant has not been reported in the literature in individuals affected with MLYCD-related conditions. This variant is not present in population databases (gnomAD no frequency). This sequence change creates a premature translational stop signal (p.Gln116*) in the MLYCD gene. It is expected to result in an absent or disrupted protein product. Loss-of-function variants in MLYCD are known to be pathogenic (PMID: 12955715, 17186413).

Literature cited by the submitters: PubMed 12955715; PubMed 17186413.